The following is an entry in ClinVar:

NM_017866.6(TMEM70):c.251C>T (p.Thr84Met)

Gene: TMEM70 (transmembrane protein 70; plus strand). Cytogenetic location: 8q21.11.
Variant type: single nucleotide variant.
Coding change: c.251C>T on transcript NM_017866.6 (MANE Select); coding-DNA position 251, C replaced by T.
Protein change: p.Thr84Met; replaces threonine 84 with methionine.
Molecular consequence: missense variant. On other transcripts: non-coding transcript variant (1).
Genome position (GRCh38, 1-based): chr8:73,978,796, C>T. VCF-style: chr8-73978796-C-T. GRCh37 (hg19) VCF-style: chr8-74891031-C-T.
Other names: c.251C>T, p.Thr84Met (NM_001040613.3); short protein forms T84M.
Identifiers: ClinVar variation 840415 (VCV000840415.8), dbSNP rs756840242, ClinGen allele CA4783986.
Genomic context (GRCh38, chr8:73,978,796, plus strand): 5'-AATGATCCCTGTTTCAATAGATCCCTGTTTATTGGGAAGGATATGTTCGATTCTTAAATA[C>T]GCCATCTGACAAATCAGAAGATGGAAGGCTAATTTATACTGGCAATATGGCCCGAGCAGT-3'
Protein context (NP_060336.3, residues 74-94): YWEGYVRFLN[Thr84Met]PSDKSEDGRL

ClinVar aggregate classification (germline): Uncertain significance. Review status: criteria provided, multiple submitters, no conflicts (2 of 4 stars). 3 submissions from 3 submitters: Uncertain significance (3). Last evaluated 2025-04-29.

Conditions:
Inborn genetic diseases. Identifiers: MedGen C0950123, MeSH D030342.
Mitochondrial complex V (ATP synthase) deficiency, nuclear type 2. Also called: Nuclear-Encoded ATPase Deficiency, TMEM70-Related; ENCEPHALOCARDIOMYOPATHY, MITOCHONDRIAL, NEONATAL, DUE TO ATP SYNTHASE DEFICIENCY; MITOCHONDRIAL COMPLEX V (ATP SYNTHASE) DEFICIENCY, TMEM70 TYPE. Identifiers: Orphanet 1194, MedGen C3279699, MONDO:0013546, OMIM 614052.

Allele frequency attached by ClinVar (database versions not stated): ExAC 0.00001; gnomAD 0.00002 and 0.00003; gnomAD exomes 0.00002 and 0.00006; TOPMed 0.00003.
gnomAD v4.1: 99 of 1,613,650 alleles (0.0061%); highest among the groups gnomAD compares: East Asian, 0.02%; no homozygotes.

Submissions (3):

Ambry Genetics
Classification: Uncertain significance for Inborn genetic diseases. Last evaluated: 2025-04-29. Review status: criteria provided, single submitter. Criteria: Ambry Variant Classification Scheme 2023. Collection method: clinical testing. Allele origin: germline.

Blueprint Genetics
Classification: Uncertain significance. Last evaluated: 2024-10-16. Review status: criteria provided, single submitter. Criteria: ACMG Guidelines, 2015. Collection method: clinical testing. Allele origin: germline.

Labcorp Genetics (formerly Invitae), Labcorp
Classification: Uncertain significance for Mitochondrial complex V (ATP synthase) deficiency, nuclear type 2. Last evaluated: 2023-08-04. Review status: criteria provided, single submitter. Criteria: Invitae Variant Classification Sherloc (09022015). Collection method: clinical testing. Allele origin: germline.
Comment: This sequence change replaces threonine, which is neutral and polar, with methionine, which is neutral and non-polar, at codon 84 of the TMEM70 protein (p.Thr84Met). This variant is present in population databases (rs756840242, gnomAD 0.01%). This variant has not been reported in the literature in individuals affected with TMEM70-related conditions. ClinVar contains an entry for this variant (Variation ID: 840415). Advanced modeling of protein sequence and biophysical properties (such as structural, functional, and spatial information, amino acid conservation, physicochemical variation, residue mobility, and thermodynamic stability) performed at Invitae indicates that this missense variant is not expected to disrupt TMEM70 protein function. In summary, the available evidence is currently insufficient to determine the role of this variant in disease. Therefore, it has been classified as a Variant of Uncertain Significance.